The following is an entry in ClinVar:

ClinVar aggregate classification (germline): Uncertain significance (1 of 4 stars; one submission).

Conditions:
Nephronophthisis 18 (NPHP18). Identifiers: Orphanet 655, MedGen C3890591, MONDO:0014374, OMIM 615862.

Allele frequency attached by ClinVar (database versions not stated): gnomAD exomes below 0.00001 and 0.00002; gnomAD 0.00001; TOPMed 0.00001; ExAC 0.00002.

Submission:

Labcorp Genetics (formerly Invitae), Labcorp
Classification: Uncertain significance for Nephronophthisis 18. Last evaluated: 2020-08-26. Review status: criteria provided, single submitter. Criteria: Invitae Variant Classification Sherloc (09022015). Collection method: clinical testing. Allele origin: germline.
Comment: This variant is present in population databases (rs761860782, ExAC 0.003%). In summary, the available evidence is currently insufficient to determine the role of this variant in disease. Therefore, it has been classified as a Variant of Uncertain Significance. Experimental studies and prediction algorithms are not available or were not evaluated, and the functional significance of this variant is currently unknown. This variant has not been reported in the literature in individuals with CEP83-related conditions. This variant, c.571_573del, results in the deletion of 1 amino acid(s) of the CEP83 protein (p.Lys191del), but otherwise preserves the integrity of the reading frame.

NM_016122.3(CEP83):c.571_573del (p.Lys191del)

Gene: CEP83 (centrosomal protein 83; minus strand). Cytogenetic location: 12q22.
Variant type: Deletion.
Coding change: c.571_573del on transcript NM_016122.3 (MANE Select); coding-DNA positions 571 to 573, 3 bases deleted (AAA; older notation c.571_573delAAA).
Protein change: p.Lys191del; deletes lysine 191.
Molecular consequence: inframe deletion. On other transcripts: non-coding transcript variant (3).
Genome position (GRCh38, 1-based): chr12:94,379,019-94,379,021, TTT deleted on the plus strand (AAA on the coding strand, the reverse complement: CEP83 is on the minus strand). VCF-style (leftmost placement, unchanged base first): chr12-94379018-CTTT-C. GRCh37 (hg19) VCF-style: chr12-94772794-CTTT-C.
Other names: c.571_573del, p.Lys191del (NM_001042399.2, NM_001346457.2, NM_001346460.2 and 3 more transcripts); c.259_261del, p.Lys87del (NM_001346458.2, NM_001346459.2, NM_001346462.2 and 2 more transcripts); c.346_348del, p.Lys116del (NM_001368041.1); c.34_36del, p.Lys12del (NM_001368042.1); short protein forms K116del, K12del, K191del, K87del.
Identifiers: ClinVar variation 1021037 (VCV001021037.8), dbSNP rs761860782, ClinGen allele CA6721893.